The following is an entry in ClinVar:

NM_194454.3(KRIT1):c.976C>T (p.His326Tyr)

Gene: KRIT1 (KRIT1 ankyrin repeat containing; minus strand). Cytogenetic location: 7q21.2.
Variant type: single nucleotide variant.
Coding change: c.976C>T on transcript NM_194454.3 (MANE Select); coding-DNA position 976, C replaced by T.
Protein change: p.His326Tyr; replaces histidine 326 with tyrosine.
Molecular consequence: missense variant. On other transcripts: intron variant (3).
Genome position (GRCh38, 1-based): chr7:92,234,462, G>A on the plus strand (C>T on the coding strand, the complement: KRIT1 is on the minus strand). VCF-style: chr7-92234462-G-A. GRCh37 (hg19) VCF-style: chr7-91863776-G-A.
Other names: p.His326Tyr; c.976C>T, p.His326Tyr (NM_001350672.1, NM_001350673.1, NM_001350674.1 and 26 more transcripts); c.262C>T, p.His88Tyr (NM_001350671.1); c.845+346C>T (NM_001350669.1, NM_001013406.2, NM_001350670.1); short protein forms H326Y, H88Y.
Identifiers: ClinVar variation 3379775 (VCV003379775.3).
Genomic context (GRCh38, chr7:92,234,462, plus strand): 5'-AAAAAATGTATTCTTTCTAAAAAGAAAAGAATAAATATTCCATTTACCAGCATGCATAAT[G>A]AATGGGTGCCCAGTGGTCACTATCTAACTGGTTGACTGAAAATCTTTCACTGAGAAGACG-3'
Protein context (NP_919436.1, residues 316-336): QLDSDHWAPI[His326Tyr]YACWYGKVEA

ClinVar aggregate classification (germline): Uncertain significance. Review status: criteria provided, multiple submitters, no conflicts (2 of 4 stars). 2 submissions from 2 submitters: Uncertain significance (2). Last evaluated 2025-11-04.

Conditions:
Inborn genetic diseases. Identifiers: MedGen C0950123, MeSH D030342.

gnomAD v4.1: 21 of 1,605,002 alleles (0.0013%); highest among the groups gnomAD compares: Non-Finnish European, 0.0018%; no homozygotes.

Submissions (2):

Ambry Genetics
Classification: Uncertain significance for Inborn genetic diseases. Last evaluated: 2025-11-04. Review status: criteria provided, single submitter. Criteria: Ambry Variant Classification Scheme 2023. Collection method: clinical testing. Allele origin: germline.
Comment: The p.H326Y variant (also known as c.976C>T), located in coding exon 7 of the KRIT1 gene, results from a C to T substitution at nucleotide position 976. The histidine at codon 326 is replaced by tyrosine, an amino acid with similar properties. This amino acid position is conserved. In addition, this alteration is predicted to be deleterious by in silico analysis. Based on the available evidence, the clinical significance of this variant remains unclear.

Mayo Clinic Laboratories, Mayo Clinic
Classification: Uncertain significance. Last evaluated: 2024-05-23. Review status: criteria provided, single submitter. Criteria: ACMG Guidelines, 2015. Collection method: clinical testing. Allele origin: germline. Observed: 1 variant allele.
Comment: PP3